The following is an entry in ClinVar:

ClinVar aggregate classification (germline): Uncertain significance. Review status: criteria provided, multiple submitters, no conflicts (2 of 4 stars). 2 submissions from 2 submitters: Uncertain significance (2). Last evaluated 2026-08-17.

Conditions:
Hereditary nonpolyposis colorectal neoplasms. Identifiers: MedGen C0009405, MeSH D003123.
Hereditary cancer-predisposing syndrome. Also called: Neoplastic Syndromes, Hereditary; Hereditary neoplastic syndrome; Hereditary Cancer Syndrome; Tumor predisposition. Identifiers: Orphanet 140162, MedGen C0027672, MeSH D009386, MONDO:0015356.

Submissions (2):

Ambry Genetics
Classification: Uncertain significance for Hereditary cancer-predisposing syndrome. Last evaluated: 2026-08-17. Review status: criteria provided, single submitter. Criteria: Ambry Variant Classification Scheme 2023. Collection method: clinical testing. Allele origin: germline.
Comment: The p.Q485P variant (also known as c.1454A>C), located in coding exon 4 of the MSH6 gene, results from an A to C substitution at nucleotide position 1454. The glutamine at codon 485 is replaced by proline, an amino acid with similar properties. This amino acid position is highly conserved in available vertebrate species. In addition, this alteration is predicted to be deleterious by in silico analysis. Based on the available evidence, the clinical significance of this variant remains unclear.

Labcorp Genetics (formerly Invitae), Labcorp
Classification: Uncertain significance for Hereditary nonpolyposis colorectal neoplasms. Last evaluated: 2017-04-16. Review status: criteria provided, single submitter. Criteria: Invitae Variant Classification Sherloc (09022015). Collection method: clinical testing. Allele origin: germline.
Comment: In summary, this variant is a novel missense change with uncertain impact on protein function. It has been classified as a Variant of Uncertain Significance. Algorithms developed to predict the effect of missense changes on protein structure and function (SIFT, PolyPhen-2, Align-GVGD) all suggest that this variant is likely to be disruptive, but these predictions have not been confirmed by published functional studies. This variant is not present in population databases (ExAC no frequency) and has not been reported in the literature in individuals with a MSH6-related disease. This sequence change replaces glutamine with proline at codon 485 of the MSH6 protein (p.Gln485Pro). The glutamine residue is highly conserved and there is a moderate physicochemical difference between glutamine and proline.

NM_000179.3(MSH6):c.1454A>C (p.Gln485Pro)

Gene: MSH6 (mutS homolog 6; plus strand). Cytogenetic location: 2p16.3.
Variant type: single nucleotide variant.
Coding change: c.1454A>C on transcript NM_000179.3 (MANE Select); coding-DNA position 1454, A replaced by C.
Protein change: p.Gln485Pro; replaces glutamine 485 with proline.
Molecular consequence: missense variant.
Genome position (GRCh38, 1-based): chr2:47,799,437, A>C. VCF-style: chr2-47799437-A-C. GRCh37 (hg19) VCF-style: chr2-48026576-A-C.
Other names: c.1064A>C, p.Gln355Pro (NM_001281492.2); c.548A>C, p.Gln183Pro (NM_001281493.2, NM_001281494.2); short protein forms Q485P, Q183P, Q355P.
Identifiers: ClinVar variation 455138 (VCV000455138.11), dbSNP rs1553412866, ClinGen allele CA346745731.